The following is an entry in ClinVar:

ClinVar aggregate classification (germline): Likely pathogenic (1 of 4 stars; one submission).

Conditions:
Mucolipidosis type II. Also called: ML II ALPHA/BETA; Mucolipidosis 2; ML 2; Inclusion cell disease; Leroy Disease; N-acetylglucosamine 1phosphotransferase deficiency. Identifiers: Orphanet 576, MedGen C2673377, MONDO:0009650, OMIM 252500.
Pseudo-Hurler polydystrophy. Also called: ML III; ML III ALPHA/BETA; Mucolipidosis III Alpha/Beta; Type III Mucolipidosis; ML IIIA; MUCOLIPIDOSIS IIIA. Identifiers: Orphanet 423461, Orphanet 577, MedGen C0033788, MONDO:0018931, OMIM 252600.

Submission:

Diagnostics Division, CENTRE FOR DNA FINGERPRINTING AND DIAGNOSTICS
Classification: Likely pathogenic for Mucolipidosis type II; Pseudo-Hurler polydystrophy. Last evaluated: 2016-01-01. Review status: criteria provided, single submitter. Criteria: ACMG Guidelines, 2015. Collection method: research. Allele origin: unknown. Affected: yes. Observed: 1 homozygote.
Comment: Missense variant

NM_024312.5(GNPTAB):c.3575T>C (p.Phe1192Ser)

Gene: GNPTAB (N-acetylglucosamine-1-phosphate transferase subunits alpha and beta; minus strand). Cytogenetic location: 12q23.2.
Variant type: single nucleotide variant.
Coding change: c.3575T>C on transcript NM_024312.5 (MANE Select); coding-DNA position 3575, T replaced by C.
Protein change: p.Phe1192Ser; replaces phenylalanine 1192 with serine.
Molecular consequence: missense variant.
Genome position (GRCh38, 1-based): chr12:101,753,399, A>G on the plus strand (T>C on the coding strand, the complement: GNPTAB is on the minus strand). VCF-style: chr12-101753399-A-G. GRCh37 (hg19) VCF-style: chr12-102147177-A-G.
Other names: short protein forms F1192S.
Identifiers: ClinVar variation 397573 (VCV000397573.3), dbSNP rs1060499688, ClinGen allele CA16609422.